The following is an entry in ClinVar:

NM_000439.5(PCSK1):c.1024del (p.Trp342fs)

Genes: CAST (calpastatin; plus strand), PCSK1 (proprotein convertase subtilisin/kexin type 1; minus strand), LOC101929710 (uncharacterized LOC101929710; plus strand). Cytogenetic location: 5q15.
Variant type: Deletion.
Coding change: c.1024del on transcript NM_000439.5 (MANE Select); coding-DNA position 1024, one base deleted (T; older notation c.1024delT).
Protein change: p.Trp342fs; shifts the reading frame from tryptophan 342.
Molecular consequence: frameshift variant. On other transcripts: intron variant (11).
Genome position (GRCh38, 1-based): chr5:96,410,845, A deleted on the plus strand (T on the coding strand, the reverse complement: PCSK1 is on the minus strand). VCF-style (leftmost placement, unchanged base first): chr5-96410844-CA-C. GRCh37 (hg19) VCF-style: chr5-95746548-CA-C.
Other names: p.Trp342GlyfsTer92; c.1024del (NM_000439.4); c.883del, p.Trp295fs (NM_001177875.2); c.-175+31193del (NM_001423254.1, NM_001423259.1, NM_001423255.1 and 6 more transcripts); c.-103+31193del (NM_001423253.1); c.-40+31193del (NM_001423258.1); short protein forms W295fs, W342fs.
Identifiers: ClinVar variation 2661895 (VCV002661895.4), dbSNP rs2531505680, ClinGen allele CA2674665719.

ClinVar aggregate classification (germline): Pathogenic/Likely pathogenic. Review status: criteria provided, multiple submitters, no conflicts (2 of 4 stars). 3 submissions from 3 submitters: Pathogenic (1); Likely pathogenic (2). Last evaluated 2024-09-05.

Conditions:
Body mass index quantitative trait locus 12 (BMIQ12). Also called: OBESITY (BMIQ12), SUSCEPTIBILITY TO; Obesity, susceptibility to, BMIQ12. Identifiers: MedGen C2676498, OMIM 612362.
Obesity due to prohormone convertase I deficiency. Also called: OBESITY AND ENDOCRINOPATHY DUE TO IMPAIRED PROCESSING OF PROHORMONES. Identifiers: Orphanet 71528, MedGen C1833053, MONDO:0010961, OMIM 600955.
PCSK1-related disorder. Also called: PCSK1-related condition.

Submissions (3):

GeneDx
Classification: Pathogenic. Last evaluated: 2024-09-05. Review status: criteria provided, single submitter. Criteria: GeneDx Variant Classification Process June 2021. Collection method: clinical testing. Allele origin: germline. Affected: yes.
Comment: Frameshift variant predicted to result in protein truncation or nonsense mediated decay in a gene for which loss of function is a known mechanism of disease; Not observed at significant frequency in large population cohorts (gnomAD); This variant is associated with the following publications: (PMID: 23800642)

Molecular Genetics and NGS Laboratory, Hospital Fundacion Valle Del Lili
Classification: Likely pathogenic for Body mass index quantitative trait locus 12; Obesity due to prohormone convertase I deficiency. Last evaluated: 2023-11-17. Review status: criteria provided, single submitter. Criteria: ACMG Guidelines, 2015. Collection method: clinical testing. Allele origin: germline. Affected: yes. Observed: 1 variant allele.

Blueprint Genetics
Classification: Likely pathogenic for PCSK1-related disorders. Last evaluated: 2021-02-18. Review status: criteria provided, single submitter. Criteria: ACMG Guidelines, 2015. Collection method: clinical testing. Allele origin: germline. Affected: yes. Observed: 2 variant alleles.